The following is an entry in ClinVar:

NM_002691.4(POLD1):c.783C>G (p.Val261=)

Gene: POLD1 (DNA polymerase delta 1, catalytic subunit; plus strand). Cytogenetic location: 19q13.33.
Variant type: single nucleotide variant.
Coding change: c.783C>G on transcript NM_002691.4 (MANE Select); coding-DNA position 783, C replaced by G.
Protein change: p.Val261=; no amino-acid change (valine 261 retained).
Molecular consequence: synonymous variant. On other transcripts: non-coding transcript variant (1).
Genome position (GRCh38, 1-based): chr19:50,402,478, C>G. VCF-style: chr19-50402478-C-G. GRCh37 (hg19) VCF-style: chr19-50905735-C-G.
Other names: c.783C>G, p.Val261= (NM_001256849.1, NM_001308632.1).
Identifiers: ClinVar variation 388407 (VCV000388407.14), dbSNP rs34269084, ClinGen allele CA16607899.
Genomic context (GRCh38, chr19:50,402,478, plus strand): 5'-GGCAGCCCCTGTCCACTGACCCCCAGCCCCCTCCAGGTTCATGGTGGACACGGACATCGT[C>G]GGCTGCAACTGGCTGGAGCTCCCAGCTGGGAAATACGCCCTGAGGCTGAAGGAGAAGGTG-3'
Protein context (NP_002682.2, residues 251-271): EIRFMVDTDI[Val261=]GCNWLELPAG

ClinVar aggregate classification (germline): Likely benign. Review status: criteria provided, multiple submitters, no conflicts (2 of 4 stars). 3 submissions from 3 submitters: Likely benign (3). Last evaluated 2025-09-15.

Conditions:
Hereditary cancer-predisposing syndrome. Also called: Neoplastic Syndromes, Hereditary; Hereditary neoplastic syndrome; Hereditary Cancer Syndrome; Tumor predisposition. Identifiers: Orphanet 140162, MedGen C0027672, MeSH D009386, MONDO:0015356.
POLD1-related polyposis and colorectal cancer syndrome (CRCS10). Also called: Colorectal cancer, susceptibility to, 10; Colorectal cancer 10; COLORECTAL CANCER, SUSCEPTIBILITY TO, ON CHROMOSOME 19q. Identifiers: Orphanet 220460, MedGen C2675481, MONDO:0012953, OMIM 612591.

gnomAD v4.1: 7 of 1,612,252 alleles (0.00043%); highest among the groups gnomAD compares: Admixed American, 0.0017%; no homozygotes.

Submissions (3):

Labcorp Genetics (formerly Invitae), Labcorp
Classification: Likely benign for POLD1-related polyposis and colorectal cancer syndrome. Last evaluated: 2025-09-15. Review status: criteria provided, single submitter. Criteria: Invitae Variant Classification Sherloc (09022015). Collection method: clinical testing. Allele origin: germline.

Ambry Genetics
Classification: Likely benign for Hereditary cancer-predisposing syndrome. Last evaluated: 2022-06-24. Review status: criteria provided, single submitter. Criteria: Ambry Variant Classification Scheme 2023. Collection method: clinical testing. Allele origin: germline.

GeneDx
Classification: Likely benign. Last evaluated: 2016-08-08. Review status: criteria provided, single submitter. Criteria: GeneDx Variant Classification (06012015). Collection method: clinical testing. Allele origin: germline. Affected: yes.
Comment: This variant is considered likely benign or benign based on one or more of the following criteria: it is a conservative change, it occurs at a poorly conserved position in the protein, it is predicted to be benign by multiple in silico algorithms, and/or has population frequency not consistent with disease.